The following is an entry in ClinVar:

ClinVar aggregate classification (germline): Uncertain significance (1 of 4 stars; one submission).

Allele frequency attached by ClinVar (database versions not stated): gnomAD exomes 0.00001; gnomAD 0.00018 and 0.00020; 1000 Genomes Project 0.00020; 1000 Genomes Project 30x 0.00031; TOPMed 0.00052.
gnomAD v4.1: 45 of 1,614,140 alleles (0.0028%); highest among the groups gnomAD compares: Admixed American, 0.052%; no homozygotes.

Submission:

Labcorp Genetics (formerly Invitae), Labcorp
Classification: Uncertain significance. Last evaluated: 2025-03-08. Review status: criteria provided, single submitter. Criteria: Invitae Variant Classification Sherloc (09022015). Collection method: clinical testing. Allele origin: germline.
Comment: This sequence change replaces methionine, which is neutral and non-polar, with isoleucine, which is neutral and non-polar, at codon 753 of the ATRN protein (p.Met753Ile). This variant is present in population databases (rs187140712, gnomAD 0.008%). This variant has not been reported in the literature in individuals affected with ATRN-related conditions. ClinVar contains an entry for this variant (Variation ID: 1403919). An algorithm developed to predict the effect of missense changes on protein structure and function (PolyPhen-2) suggests that this variant is likely to be tolerated. In summary, the available evidence is currently insufficient to determine the role of this variant in disease. Therefore, it has been classified as a Variant of Uncertain Significance.

NM_139321.3(ATRN):c.2259G>C (p.Met753Ile)

Gene: ATRN (attractin; plus strand). Cytogenetic location: 20p13.
Variant type: single nucleotide variant.
Coding change: c.2259G>C on transcript NM_139321.3 (MANE Select); coding-DNA position 2259, G replaced by C.
Protein change: p.Met753Ile; replaces methionine 753 with isoleucine.
Molecular consequence: missense variant.
Genome position (GRCh38, 1-based): chr20:3,576,903, G>C. VCF-style: chr20-3576903-G-C. GRCh37 (hg19) VCF-style: chr20-3557550-G-C.
Other names: c.1911G>C, p.Met637Ile (NM_001207047.3); c.2259G>C, p.Met753Ile (NM_001323332.2, NM_139322.4); short protein forms M637I, M753I.
Identifiers: ClinVar variation 1403919 (VCV001403919.6), dbSNP rs187140712, ClinGen allele CA9744271.
Genomic context (GRCh38, chr20:3,576,903, plus strand): 5'-GTCCACTGTGTTCTAGATCTCCATTTTTAGGTATGAGAATTGCCCCAAGGATAACCCCAT[G>C]TACTACTGTAACAAGAAGACCAGCTGCAGGAGCTGTGCCCTGGACCAGAACTGCCAGTGG-3'
Protein context (NP_647537.1, residues 743-763): RYENCPKDNP[Met753Ile]YYCNKKTSCR